The following is an entry in ClinVar:

ClinVar aggregate classification (germline): Pathogenic (1 of 4 stars; one submission).

Conditions:
Dilated cardiomyopathy 1G (CMD1G). Identifiers: Orphanet 154, MedGen C1858763, MONDO:0011400, OMIM 604145.
Autosomal recessive limb-girdle muscular dystrophy type 2J (LGMDR10). Also called: Limb-girdle muscular dystrophy, type 2J; MUSCULAR DYSTROPHY, LIMB-GIRDLE, AUTOSOMAL RECESSIVE 10. Identifiers: Orphanet 140922, MedGen C1837342, MONDO:0012127, OMIM 608807.

Submission:

Labcorp Genetics (formerly Invitae), Labcorp
Classification: Pathogenic for Dilated cardiomyopathy 1G; Autosomal recessive limb-girdle muscular dystrophy type 2J. Last evaluated: 2025-10-02. Review status: criteria provided, single submitter. Criteria: Invitae Variant Classification Sherloc (09022015). Collection method: clinical testing. Allele origin: germline.
Comment: This sequence change affects a donor splice site in intron 239 of the TTN gene. It is expected to disrupt RNA splicing and likely results in a truncated or disrupted TTN protein. This variant is not present in population databases (gnomAD no frequency). Disruption of this splice site has been observed in individuals with dilated cardiomyopathy (internal data). ClinVar contains an entry for this variant (Variation ID: 3759187). Algorithms developed to predict the effect of sequence changes on RNA splicing suggest that this variant may disrupt the consensus splice site. This variant is located in the I band of TTN (PMID: 25589632). Truncating variants in this region have been reported in individuals affected with autosomal recessive centronuclear myopathy (PMID: 23975875, internal data). Truncating variants in this region have also been identified in individuals affected with autosomal dominant dilated cardiomyopathy and/or cardio-related conditions (PMID: 27869827, 32964742, internal data). For these reasons, this variant has been classified as Pathogenic.

Literature cited by the submitters: PubMed 25589632; PubMed 23975875; PubMed 27869827; PubMed 32964742.

NM_001267550.2(TTN):c.44281+2T>C

Gene: TTN (titin; minus strand). Cytogenetic location: 2q31.2.
Variant type: single nucleotide variant.
Coding change: c.44281+2T>C on transcript NM_001267550.2 (MANE Select); the canonical splice donor site of the intron after coding-DNA position 44281, T replaced by C.
Molecular consequence: splice donor variant.
Genome position (GRCh38, 1-based): chr2:178,630,239, A>G on the plus strand (T>C on the coding strand, the complement: TTN is on the minus strand). VCF-style: chr2-178630239-A-G. GRCh37 (hg19) VCF-style: chr2-179494966-A-G.
Other names: c.17086+2T>C (NM_003319.4); c.17662+2T>C (NM_133437.4); c.17461+2T>C (NM_133432.3); c.36577+2T>C (NM_133378.4); c.39358+2T>C (NM_001256850.1).
Identifiers: ClinVar variation 3759187 (VCV003759187.2).